The following is an entry in ClinVar:

NM_000035.4(ALDOB):c.264C>A (p.Asp88Glu)

Gene: ALDOB (aldolase, fructose-bisphosphate B; minus strand). Cytogenetic location: 9q31.1.
Variant type: single nucleotide variant.
Coding change: c.264C>A on transcript NM_000035.4 (MANE Select); coding-DNA position 264, C replaced by A.
Protein change: p.Asp88Glu; replaces aspartic acid 88 with glutamic acid.
Molecular consequence: missense variant.
Genome position (GRCh38, 1-based): chr9:101,429,815, G>T on the plus strand (C>A on the coding strand, the complement: ALDOB is on the minus strand). VCF-style: chr9-101429815-G-T. GRCh37 (hg19) VCF-style: chr9-104192097-G-T.
Other names: c.264C>A, p.Asp88Glu (LRG_1244t1); short protein forms D88E.
Identifiers: ClinVar variation 285374 (VCV000285374.24), dbSNP rs200585150, ClinGen allele CA5161686.
Genomic context (GRCh38, chr9:101,429,815, plus strand): 5'-CTTGATTCCCACCACGATCCCCTTTTCCTTGAGGATGTTTCTGAACAGCTTTCCCTGGCT[G>T]TCCTTCTGGTAGAGGGTCTCGTGGAAAAGGATCACACCCCCGATGCTCTGGTTGATGGAA-3'
Protein context (NP_000026.2, residues 78-98): ILFHETLYQK[Asp88Glu]SQGKLFRNIL

ClinVar aggregate classification (germline): Conflicting classifications of pathogenicity. Review status: criteria provided, conflicting classifications (1 of 4 stars). 7 submissions from 7 submitters: Uncertain significance (5); Likely benign (1). 1 of the submissions does not count toward it. Last evaluated 2026-03-23.

Conditions:
Hereditary fructosuria. Also called: Hereditary fructose intolerance; Fructose intolerance; ALDOB DEFICIENCY; ALDOLASE B DEFICIENCY; FRUCTOSE-1,6-BISPHOSPHATE ALDOLASE B DEFICIENCY; FRUCTOSE-1-PHOSPHATE ALDOLASE DEFICIENCY. Identifiers: Orphanet 469, MedGen C0016751, MONDO:0009249, OMIM 229600, HP:0005973. Disease mechanism: loss of function.

Allele frequency attached by ClinVar (database versions not stated): TOPMed 0.00003; ExAC 0.00050; 1000 Genomes Project 0.00120; 1000 Genomes Project 30x 0.00156.
gnomAD v4.1: 318 of 1,614,144 alleles (0.02%); highest among the groups gnomAD compares: South Asian, 0.33%; 2 homozygotes.

Submissions (7):

Women's Health and Genetics/Laboratory Corporation of America, LabCorp
Classification: Uncertain significance. Last evaluated: 2026-03-23. Review status: criteria provided, single submitter. Criteria: LabCorp Variant Classification Summary - May 2015. Collection method: clinical testing. Allele origin: germline.
Comment: Variant summary: ALDOB c.264C>A (p.Asp88Glu) results in a conservative amino acid change in the encoded protein sequence. Algorithms developed to predict the effect of missense changes on protein structure and function are either unavailable or do not agree on the potential impact of this missense change. The variant allele was found at a frequency of 0.0002 in 1614144 control chromosomes, predominantly at a frequency of 0.0033 within the South Asian subpopulation in the gnomAD database, including 2 homozygotes. This frequency is not significantly higher than estimated for disease-causing variants in ALDOB, allowing no conclusion about variant significance. c.264C>A has been reported in the literature in individuals affected with abnormality of the nervous system or thyroid hormone resistency (Retterer_2015, Akcan_2024). These report(s) do not provide unequivocal conclusions about association of the variant with Hereditary fructosuria. To our knowledge, no experimental evidence demonstrating an impact on protein function has been reported. The following publications have been ascertained in the context of this evaluation (PMID: 38682389, 26633542). ClinVar contains an entry for this variant (Variation ID: 285374). Based on the evidence outlined above, the variant was classified as VUS-possibly benign.

Labcorp Genetics (formerly Invitae), Labcorp
Classification: Likely benign for Hereditary fructosuria. Last evaluated: 2025-12-27. Review status: criteria provided, single submitter. Criteria: Invitae Variant Classification Sherloc (09022015). Collection method: clinical testing. Allele origin: germline.

Department of Pathology and Laboratory Medicine, Sinai Health System
Classification: Uncertain significance for Hereditary fructosuria. Last evaluated: 2022-04-11. Review status: criteria provided, single submitter. Criteria: ACMG Guidelines, 2015. Collection method: research. Allele origin: germline.

Myriad Genetics, Inc.
Classification: Uncertain significance for Hereditary fructosuria. Last evaluated: 2021-11-03. Review status: criteria provided, single submitter. Criteria: Myriad Women's Health Autosomal Recessive and X-Linked Classification Criteria (2021). Collection method: clinical testing. Allele origin: unknown.
Comment: NM_000035.3(ALDOB):c.264C>A(D88E) is a missense variant classified as a variant of uncertain significance in the context of hereditary fructose intolerance. D88E has been observed in in cases with relevant disease (PMID: 26633542). Functional assessments of this variant are not available in the literature. D88E has been observed in population frequency databases (gnomAD: SAS 0.34%). In summary, there is insufficient evidence to classify NM_000035.3(ALDOB):c.264C>A(D88E) as pathogenic or benign. Please note: this variant was assessed in the context of healthy population screening.

Eurofins Ntd Llc (ga)
Classification: Uncertain significance. Last evaluated: 2017-10-12. Review status: criteria provided, single submitter. Criteria: EGL Classification Definitions 2015. Collection method: clinical testing. Allele origin: germline. Observed: 2 variant alleles, 2 heterozygotes.

GeneDx
Classification: Uncertain significance. Last evaluated: 2016-08-29. Review status: criteria provided, single submitter. Criteria: GeneDx Variant Classification (06012015). Collection method: clinical testing. Allele origin: germline. Affected: yes.
Comment: The D88E variant in the ALDOB gene has not been reported previously as a pathogenic variant nor as a benign polymorphism, to our knowledge. The D88E variant was not observed in approximately 6,500 individuals of European and African American ancestry in the NHLBI Exome Sequencing Project; however, the D88E variant was observed in the Exome Aggregation Consortium (ExAC) data set on 0.39% of alleles (60/16512) from individuals of South Asian background, including one homozygous individual, indicating it may be a rare benign variant in this population. The D88E variant is a conservative amino acid substitution, which occurs at a position that is conserved among mammals. In silico analysis is inconsistent in its predictions as to whether or not the variant is damaging to the protein structure/function. Based on review of the current data in the context of the 2015 ACMG standards and guidelines for the interpretation of sequence variants (Richards et al., 2015), we now interpret D88E as a variant of uncertain significance.

ATS em Genética Clínica, Universidade Federal do Rio Grande do Sul
Classification: Likely pathogenic for Hereditary fructosuria. Last evaluated: 2021-03-18. Review status: no assertion criteria provided. Collection method: literature only. Allele origin: unknown. Affected: yes. Not counted in ClinVar's aggregate classification.

Literature cited by the submitters: PubMed 26633542 (cited by 3 submitters); PubMed 34524712 (cited by Women's Health and Genetics/Laboratory Corporation of America, LabCorp); PubMed 38682389 (cited by Women's Health and Genetics/Laboratory Corporation of America, LabCorp); PubMed 36028839 (cited by Women's Health and Genetics/Laboratory Corporation of America, LabCorp); PubMed 37091798 (cited by Women's Health and Genetics/Laboratory Corporation of America, LabCorp).